The following is an entry in ClinVar:

NM_174936.4(PCSK9):c.1240A>C (p.Arg414=)

Gene: PCSK9 (proprotein convertase subtilisin/kexin type 9; plus strand). Cytogenetic location: 1p32.3.
Variant type: single nucleotide variant.
Coding change: c.1240A>C on transcript NM_174936.4 (MANE Select); coding-DNA position 1240, A replaced by C.
Protein change: p.Arg414=; no amino-acid change (arginine 414 retained).
Molecular consequence: synonymous variant. On other transcripts: non-coding transcript variant (8), intron variant (2).
Genome position (GRCh38, 1-based): chr1:55,058,095, A>C. VCF-style: chr1-55058095-A-C. GRCh37 (hg19) VCF-style: chr1-55523768-A-C.
Other names: c.1363A>C, p.Arg455= (NM_001407240.1); c.1240A>C, p.Arg414= (NM_001407241.1); c.1243A>C, p.Arg415= (NM_001407242.1); c.1183A>C, p.Arg395= (NM_001407243.1); c.1048A>C, p.Arg350= (NM_001407245.1); c.865A>C, p.Arg289= (NM_001407246.1); c.1181-404A>C (NM_001407244.1); c.1180+581A>C (NM_001407247.1).
Identifiers: ClinVar variation 922135 (VCV000922135.13), dbSNP rs763406953, ClinGen allele CA036062.

ClinVar aggregate classification (germline): Likely benign. Review status: criteria provided, multiple submitters, no conflicts (2 of 4 stars). 3 submissions from 3 submitters: Likely benign (3). Last evaluated 2025-09-17.

Conditions:
Familial hypercholesterolemia. Also called: Familial hypercholesterolemias; Familial hypercholesterolaemia. Identifiers: MedGen C0020445, MONDO:0005439.
Hypercholesterolemia, autosomal dominant, 3 (FHCL3). Also called: Familial hypercholesterolemia 3; Familial Hypercholesterolemia, Autosomal Dominant, 3; PCSK9-Related Familial Hypercholesterolemia, Autosomal Dominant. Identifiers: MedGen C1863551, MONDO:0011369, OMIM 603776.

Allele frequency attached by ClinVar (database versions not stated): ExAC 0.00001; gnomAD exomes 0.00002 and 0.00003; gnomAD 0.00004 and 0.00005; TOPMed 0.00004.
gnomAD v4.1: 52 of 1,613,628 alleles (0.0032%); highest among the groups gnomAD compares: Non-Finnish European, 0.0042%; no homozygotes.

Submissions (3):

Labcorp Genetics (formerly Invitae), Labcorp
Classification: Likely benign for Hypercholesterolemia, autosomal dominant, 3. Last evaluated: 2025-09-17. Review status: criteria provided, single submitter. Criteria: Invitae Variant Classification Sherloc (09022015). Collection method: clinical testing. Allele origin: germline.

All of Us Research Program, National Institutes of Health
Classification: Likely benign for Hypercholesterolemia, autosomal dominant, 3. Last evaluated: 2023-10-27. Review status: criteria provided, single submitter. Criteria: ACMG Guidelines, 2015. Collection method: clinical testing. Allele origin: germline. Inheritance: Autosomal dominant inheritance. Observed: 3 variant alleles, 3 heterozygotes.
Comment: This study involves interpretation of variants in research participants for the purpose of population health screening. Participant phenotype was not available at the time of variant classification. Additional details can be found in publication PMID: 35346344, PMCID: PMC8962531

Color Diagnostics, LLC DBA Color Health
Classification: Likely benign for Familial hypercholesterolemia. Last evaluated: 2018-12-05. Review status: criteria provided, single submitter. Criteria: ACMG Guidelines, 2015. Collection method: clinical testing. Allele origin: germline.